The following is an entry in ClinVar:

NM_000282.4(PCCA):c.1705G>A (p.Val569Ile)

Gene: PCCA (propionyl-CoA carboxylase subunit alpha; plus strand). Cytogenetic location: 13q32.3.
Variant type: single nucleotide variant.
Coding change: c.1705G>A on transcript NM_000282.4 (MANE Select); coding-DNA position 1705, G replaced by A.
Protein change: p.Val569Ile; replaces valine 569 with isoleucine.
Molecular consequence: missense variant. On other transcripts: non-coding transcript variant (2).
Genome position (GRCh38, 1-based): chr13:100,368,533, G>A. VCF-style: chr13-100368533-G-A. GRCh37 (hg19) VCF-style: chr13-101020787-G-A.
Other names: c.1627G>A, p.Val543Ile (NM_001127692.3, NM_001352607.2); c.1705G>A, p.Val569Ile (NM_001178004.2, NM_001352605.2, NM_001352609.2); c.1561G>A, p.Val521Ile (NM_001352606.2); c.1483G>A, p.Val495Ile (NM_001352608.2); c.760G>A, p.Val254Ile (NM_001352610.2, NM_001352611.2); c.616G>A, p.Val206Ile (NM_001352612.2); c.1705G>A (NM_000282.3); short protein forms V495I, V569I, V543I, V206I, V254I, V521I.
Identifiers: ClinVar variation 2190639 (VCV002190639.3), dbSNP rs779935866, ClinGen allele CA7033749.

ClinVar aggregate classification (germline): Uncertain significance. Review status: criteria provided, multiple submitters, no conflicts (2 of 4 stars). 2 submissions from 2 submitters: Uncertain significance (2). Last evaluated 2025-01-23.

Conditions:
Inborn genetic diseases. Identifiers: MedGen C0950123, MeSH D030342.
Propionic acidemia (PROP). Also called: GLYCINEMIA, KETOTIC; HYPERGLYCINEMIA WITH KETOACIDOSIS AND LEUKOPENIA; KETOTIC HYPERGLYCINEMIA. Identifiers: Orphanet 35, MedGen C0268579, MONDO:0011628, OMIM 606054, HP:0003571.

Allele frequency attached by ClinVar (database versions not stated): TOPMed 0.00002.
gnomAD v4.1: 54 of 1,610,884 alleles (0.0034%); highest among the groups gnomAD compares: Middle Eastern, 0.05%; no homozygotes.

Submissions (2):

Ambry Genetics
Classification: Uncertain significance for Inborn genetic diseases. Last evaluated: 2025-01-23. Review status: criteria provided, single submitter. Criteria: Ambry Variant Classification Scheme 2023. Collection method: clinical testing. Allele origin: germline.

Labcorp Genetics (formerly Invitae), Labcorp
Classification: Uncertain significance for Propionic acidemia. Last evaluated: 2024-01-09. Review status: criteria provided, single submitter. Criteria: Invitae Variant Classification Sherloc (09022015). Collection method: clinical testing. Allele origin: germline.
Comment: This sequence change replaces valine, which is neutral and non-polar, with isoleucine, which is neutral and non-polar, at codon 569 of the PCCA protein (p.Val569Ile). This variant is present in population databases (rs779935866, gnomAD 0.02%). This variant has not been reported in the literature in individuals affected with PCCA-related conditions. ClinVar contains an entry for this variant (Variation ID: 2190639). Advanced modeling of protein sequence and biophysical properties (such as structural, functional, and spatial information, amino acid conservation, physicochemical variation, residue mobility, and thermodynamic stability) performed at Invitae indicates that this missense variant is not expected to disrupt PCCA protein function with a negative predictive value of 95%. In summary, the available evidence is currently insufficient to determine the role of this variant in disease. Therefore, it has been classified as a Variant of Uncertain Significance.